The following is an entry in ClinVar:

ClinVar aggregate classification (germline): Likely benign (1 of 4 stars; one submission).

gnomAD v4.1: 6 of 1,518,320 alleles (0.0004%); highest among the groups gnomAD compares: Admixed American, 0.0044%; no homozygotes.

Submission:

CeGaT Center for Human Genetics Tuebingen
Classification: Likely benign. Last evaluated: 2026-04-01. Review status: criteria provided, single submitter. Criteria: CeGaT Center For Human Genetics Tuebingen Variant Classification Criteria Version 2. Collection method: clinical testing. Allele origin: germline. Affected: yes. Observed: 1 variant allele.
Comment: TRPM3: BP4, BP7

NM_001366145.2(TRPM3):c.3780C>T (p.Thr1260=)

Genes: KLF9-DT (KLF9 divergent transcript; plus strand), TRPM3 (transient receptor potential cation channel subfamily M member 3; minus strand). Cytogenetic location: 9q21.12.
Variant type: single nucleotide variant.
Coding change: c.3780C>T on transcript NM_001366145.2 (MANE Select); coding-DNA position 3780, C replaced by T.
Protein change: p.Thr1260=; no amino-acid change (threonine 1260 retained).
Molecular consequence: synonymous variant.
Genome position (GRCh38, 1-based): chr9:70,537,333, G>A on the plus strand (C>T on the coding strand, the complement: TRPM3 is on the minus strand). VCF-style: chr9-70537333-G-A. GRCh37 (hg19) VCF-style: chr9-73152249-G-A.
Other names: c.3744C>T, p.Thr1248= (NM_001007471.4, NM_001366151.2); c.3750C>T, p.Thr1250= (NM_001366141.2, NM_001366143.2, NM_001366149.2); c.3786C>T, p.Thr1262= (NM_001366142.2); c.3780C>T, p.Thr1260= (NM_001366146.2); c.3855C>T, p.Thr1285= (NM_001366147.2, NM_001366152.2); c.3825C>T, p.Thr1275= (NM_001366148.2); c.3714C>T, p.Thr1238= (NM_001366150.2); c.3321C>T, p.Thr1107= (NM_001366154.2, NM_024971.7); and 5 more.
Identifiers: ClinVar variation 4872252 (VCV004872252.2).